The following is an entry in ClinVar:

NM_001079872.2(CUL4B):c.1159A>G (p.Met387Val)

Gene: CUL4B (cullin 4B; minus strand). Cytogenetic location: Xq24.
Variant type: single nucleotide variant.
Coding change: c.1159A>G on transcript NM_001079872.2 (MANE Select); coding-DNA position 1159, A replaced by G.
Protein change: p.Met387Val; replaces methionine 387 with valine.
Molecular consequence: missense variant.
Genome position (GRCh38, 1-based): chrX:120,544,128, T>C on the plus strand (A>G on the coding strand, the complement: CUL4B is on the minus strand). VCF-style: chrX-120544128-T-C. GRCh37 (hg19) VCF-style: chrX-119677983-T-C.
Other names: c.1174A>G, p.Met392Val (NM_001330624.2); c.625A>G, p.Met209Val (NM_001369145.1); c.1213A>G, p.Met405Val (NM_003588.4); short protein forms M209V, M405V, M387V, M392V.
Identifiers: ClinVar variation 4991178 (VCV004991178.1).
Genomic context (GRCh38, chrX:120,544,128, plus strand): 5'-TATTGTGAGAGACAGTGAGAATTTATTAGTCATGATTTTTAAATACCTCTCTTTCTTGCA[T>C]TAATTTTTGGCCTTCAGCTGCATAGAGCCGGTTAGTTTCTTCCAAAAATCGTTGTTCAAA-3'
Protein context (NP_001073341.1, residues 377-397): RLYAAEGQKL[Met387Val]QEREVPEYLH

ClinVar aggregate classification (germline): Uncertain significance (1 of 4 stars; one submission).

Conditions:
CUL4B-related disorder. Also called: CUL4B-related condition.

Submission:

PreventionGenetics, part of Exact Sciences
Classification: Uncertain significance for CUL4B-related condition. Last evaluated: 2026-07-28. Review status: criteria provided, single submitter. Criteria: ACMG Guidelines, 2015. Collection method: clinical testing. Allele origin: germline.
Comment: The CUL4B c.1213A>G variant is predicted to result in the amino acid substitution p.Met405Val. To our knowledge, this variant has not been reported in the literature or in a large population database (gnomAD), indicating this variant is rare. At this time, the clinical significance of this variant is uncertain due to the absence of conclusive functional and genetic evidence.